The following is an entry in ClinVar:

ClinVar aggregate classification (germline): Likely pathogenic (1 of 4 stars; one submission).

Submission:

Greenwood Genetic Center Diagnostic Laboratories, Greenwood Genetic Center
Classification: Likely pathogenic. Last evaluated: 2020-07-16. Review status: criteria provided, single submitter. Criteria: ACMG Guidelines, 2015. Collection method: clinical testing. Allele origin: germline. Affected: yes.
Comment: PVS1, PM2

NM_001394998.1(TANC2):c.3528_3536delinsAGCAGGGCCGCAGACAAGCAGGGCCGCAAGCAGACAA (p.Pro1177fs)

Genes: TANC2 (tetratricopeptide repeat, ankyrin repeat and coiled-coil containing 2; plus strand), LOC105371856 (uncharacterized LOC105371856; minus strand). Cytogenetic location: 17q23.3.
Variant type: Indel.
Coding change: c.3528_3536delinsAGCAGGGCCGCAGACAAGCAGGGCCGCAAGCAGACAA on transcript NM_001394998.1 (MANE Select); coding-DNA positions 3528 to 3536, the reference bases replaced by an inserted sequence.
Protein change: p.Pro1177fs; shifts the reading frame from proline 1177.
Molecular consequence: frameshift variant.
Genome position (GRCh38, 1-based): chr17:63,406,216-63,406,224, 9 bases replaced. GRCh37 (hg19): chr17:61,483,577-61,483,585.
Other names: c.3306_3314delinsAGCAGGGCCGCAGACAAGCAGGGCCGCAAGCAGACAA, p.Pro1103fs (NM_025185.4); short protein forms P1103fs, P1177fs.
Identifiers: ClinVar variation 977202 (VCV000977202.4), dbSNP rs2048501596, ClinGen allele CA1139665813.